The following is an entry in ClinVar:

ClinVar aggregate classification (germline): Likely benign (1 of 4 stars; one submission).

Conditions:
FHOD3-related disorder. Also called: FHOD3-related condition.

gnomAD v4.1: 158 of 1,598,166 alleles (0.0099%); highest among the groups gnomAD compares: Non-Finnish European, 0.012%; no homozygotes.

Submission:

PreventionGenetics, part of Exact Sciences
Classification: Likely benign for FHOD3-related condition. Last evaluated: 2026-08-03. Review status: criteria provided, single submitter. Criteria: ACMG Guidelines, 2015. Collection method: clinical testing. Allele origin: germline.
Comment: This variant is classified as likely benign based on ACMG/AMP sequence variant interpretation guidelines (Richards et al. 2015 PMID: 25741868, with internal and published modifications).

NM_001281740.3(FHOD3):c.2784C>T (p.Val928=)

Gene: FHOD3 (formin homology 2 domain containing 3; plus strand). Cytogenetic location: 18q12.2.
Variant type: single nucleotide variant.
Coding change: c.2784C>T on transcript NM_001281740.3 (MANE Select); coding-DNA position 2784, C replaced by T.
Protein change: p.Val928=; no amino-acid change (valine 928 retained).
Molecular consequence: synonymous variant.
Genome position (GRCh38, 1-based): chr18:36,718,082, C>T. VCF-style: chr18-36718082-C-T. GRCh37 (hg19) VCF-style: chr18-34298045-C-T.
Other names: c.2208C>T, p.Val736= (NM_001281739.3); c.2259C>T, p.Val753= (NM_025135.5).
Identifiers: ClinVar variation 4979926 (VCV004979926.1).